The following is an entry in ClinVar:

NM_004817.4(TJP2):c.2802C>A (p.Asp934Glu)

Gene: TJP2 (tight junction protein 2; plus strand). Cytogenetic location: 9q21.11.
Variant type: single nucleotide variant.
Coding change: c.2802C>A on transcript NM_004817.4 (MANE Select); coding-DNA position 2802, C replaced by A.
Protein change: p.Asp934Glu; replaces aspartic acid 934 with glutamic acid.
Molecular consequence: missense variant. On other transcripts: intron variant (1).
Genome position (GRCh38, 1-based): chr9:69,248,146, C>A. VCF-style: chr9-69248146-C-A. GRCh37 (hg19) VCF-style: chr9-71863062-C-A.
Other names: c.2733C>A, p.Asp911Glu (NM_001170414.2, NM_001369871.1); c.2814C>A, p.Asp938Glu (NM_001170415.1, NM_001369874.1, NM_001369875.1); c.2895C>A, p.Asp965Glu (NM_001170416.2); c.2727C>A, p.Asp909Glu (NM_001369870.1); c.2802C>A, p.Asp934Glu (NM_001369872.1, NM_201629.3); c.2667+1356C>A (NM_001369873.1); short protein forms D909E, D911E, D934E, D938E, D965E.
Identifiers: ClinVar variation 3061346 (VCV003061346.2), dbSNP rs761643104, ClinGen allele CA5073773.

ClinVar aggregate classification (germline): Uncertain significance (0 of 4 stars; one submission).

Conditions:
TJP2-related disorder. Also called: TJP2-related condition.

Allele frequency attached by ClinVar (database versions not stated): gnomAD exomes below 0.00001; TOPMed below 0.00001; ExAC 0.00001.
gnomAD v4.1: 4 of 1,614,164 alleles (0.00025%); highest among the groups gnomAD compares: Non-Finnish European, 0.00034%; no homozygotes.

Submission:

PreventionGenetics, part of Exact Sciences
Classification: Uncertain significance for TJP2-related condition. Last evaluated: 2024-02-15. Review status: no assertion criteria provided. Collection method: clinical testing. Allele origin: germline.
Comment: The TJP2 c.2802C>A variant is predicted to result in the amino acid substitution p.Asp934Glu. To our knowledge, this variant has not been reported in the literature. This variant is reported in 0.00088% of alleles in individuals of European (Non-Finnish) descent in gnomAD. At this time, the clinical significance of this variant is uncertain due to the absence of conclusive functional and genetic evidence.